The following is an entry in ClinVar:

NM_016203.4(PRKAG2):c.53del (p.Gly18fs)

Gene: PRKAG2 (protein kinase AMP-activated non-catalytic subunit gamma 2; minus strand). Cytogenetic location: 7q36.1.
Variant type: Deletion.
Coding change: c.53del on transcript NM_016203.4 (MANE Select); coding-DNA position 53, one base deleted (G; older notation c.53delG).
Protein change: p.Gly18fs; shifts the reading frame from glycine 18.
Molecular consequence: frameshift variant.
Genome position (GRCh38, 1-based): chr7:151,876,568, C deleted on the plus strand (G on the coding strand, the reverse complement: PRKAG2 is on the minus strand); the first of 2 consecutive C bases (chr7:151,876,568-151,876,569); deleting either gives the same sequence. VCF-style (leftmost placement, unchanged base first): chr7-151876567-GC-G. GRCh37 (hg19) VCF-style: chr7-151573652-GC-G.
Other names: c.52delG, p.Gly18Alafs (NM_001407021.1, NM_001407022.1, NM_001407023.1 and 2 more transcripts); short protein forms G18fs.
Identifiers: ClinVar variation 2135339 (VCV002135339.4), dbSNP rs2485879788, ClinGen allele CA2580077700.

ClinVar aggregate classification (germline): Uncertain significance (1 of 4 stars; one submission).

Conditions:
Lethal congenital glycogen storage disease of heart. Also called: PHOSPHORYLASE KINASE DEFICIENCY OF HEART; GLYCOGEN STORAGE DISEASE OF HEART. Identifiers: Orphanet 439854, MedGen C1849813, MONDO:0009867, OMIM 261740.

Submission:

Labcorp Genetics (formerly Invitae), Labcorp
Classification: Uncertain significance for Lethal congenital glycogen storage disease of heart. Last evaluated: 2022-05-08. Review status: criteria provided, single submitter. Criteria: Invitae Variant Classification Sherloc (09022015). Collection method: clinical testing. Allele origin: germline.
Comment: In summary, the available evidence is currently insufficient to determine the role of this variant in disease. Therefore, it has been classified as a Variant of Uncertain Significance. This variant has not been reported in the literature in individuals affected with PRKAG2-related conditions. This variant is not present in population databases (gnomAD no frequency). This sequence change creates a premature translational stop signal (p.Gly18Alafs*23) in the PRKAG2 gene. It is expected to result in an absent or disrupted protein product. However, the current clinical and genetic evidence is not sufficient to establish whether loss-of-function variants in PRKAG2 cause disease.